The following is an entry in ClinVar:

ClinVar aggregate classification (germline): Pathogenic (1 of 4 stars; one submission).

Submission:

Labcorp Genetics (formerly Invitae), Labcorp
Classification: Pathogenic. Last evaluated: 2023-01-13. Review status: criteria provided, single submitter. Criteria: Invitae Variant Classification Sherloc (09022015). Collection method: clinical testing. Allele origin: germline.
Comment: For these reasons, this variant has been classified as Pathogenic. This premature translational stop signal has been observed in individual(s) with Bartter syndrome type I (PMID: 30790175). This variant is not present in population databases (gnomAD no frequency). This sequence change creates a premature translational stop signal (p.Trp915*) in the SLC12A1 gene. It is expected to result in an absent or disrupted protein product. Loss-of-function variants in SLC12A1 are known to be pathogenic (PMID: 8640224, 9585600, 19096086).

Literature cited by the submitters: PubMed 30790175; PubMed 8640224; PubMed 9585600; PubMed 19096086.

NM_000338.3(SLC12A1):c.2744G>A (p.Trp915Ter)

Gene: SLC12A1 (solute carrier family 12 member 1; plus strand). Cytogenetic location: 15q21.1.
Variant type: single nucleotide variant.
Coding change: c.2744G>A on transcript NM_000338.3 (MANE Select); coding-DNA position 2744, G replaced by A.
Protein change: p.Trp915Ter; replaces tryptophan 915 with a stop codon.
Molecular consequence: nonsense.
Genome position (GRCh38, 1-based): chr15:48,288,157, G>A. VCF-style: chr15-48288157-G-A. GRCh37 (hg19) VCF-style: chr15-48580354-G-A.
Other names: c.2744G>A, p.Trp915Ter (NM_001184832.2, NM_001384136.1); short protein forms W915*.
Identifiers: ClinVar variation 2828087 (VCV002828087.3), dbSNP rs2505190434, ClinGen allele CA392317980.